The following is an entry in ClinVar:

NM_000051.4(ATM):c.7113T>G (p.Tyr2371Ter)

Genes: ATM (ATM serine/threonine kinase; plus strand), C11orf65 (chromosome 11 open reading frame 65; minus strand). Cytogenetic location: 11q22.3.
Variant type: single nucleotide variant.
Coding change: c.7113T>G on transcript NM_000051.4 (MANE Select); coding-DNA position 7113, T replaced by G.
Protein change: p.Tyr2371Ter; replaces tyrosine 2371 with a stop codon.
Molecular consequence: nonsense. On other transcripts: intron variant (2).
Genome position (GRCh38, 1-based): chr11:108,329,044, T>G. VCF-style: chr11-108329044-T-G. GRCh37 (hg19) VCF-style: chr11-108199771-T-G.
Other names: c.7113T>G, p.Tyr2371Ter (NM_001351834.2); c.641-19973A>C (NM_001330368.2); c.*38+6176A>C (NM_001351110.2); short protein forms Y2371*.
Identifiers: ClinVar variation 1069988 (VCV001069988.7), dbSNP rs760534895, ClinGen allele CA382559425.

ClinVar aggregate classification (germline): Pathogenic (1 of 4 stars; one submission).

Conditions:
Ataxia-telangiectasia syndrome (AT). Also called: Ataxia telangiectasia (A-T); ATAXIA-TELANGIECTASIA, COMPLEMENTATION GROUP A; ATAXIA-TELANGIECTASIA, FRESNO VARIANT; Ataxia-telangiectasia; Ataxia-telangiectasia, complementation group E; LOUIS-BAR SYNDROME. Identifiers: Orphanet 100, MedGen C0004135, MONDO:0008840, OMIM 208900.

Submission:

Labcorp Genetics (formerly Invitae), Labcorp
Classification: Pathogenic for Ataxia-telangiectasia syndrome. Last evaluated: 2020-09-21. Review status: criteria provided, single submitter. Criteria: Invitae Variant Classification Sherloc (09022015). Collection method: clinical testing. Allele origin: germline.
Comment: For these reasons, this variant has been classified as Pathogenic. Loss-of-function variants in ATM are known to be pathogenic (PMID: 23807571, 25614872). This variant is not present in population databases (ExAC no frequency). This sequence change creates a premature translational stop signal (p.Tyr2371*) in the ATM gene. It is expected to result in an absent or disrupted protein product. This variant has not been reported in the literature in individuals with ATM-related conditions.

Literature cited by the submitters: PubMed 23807571; PubMed 25614872.